The following is an entry in ClinVar:

NM_001271.4(CHD2):c.3247A>G (p.Asn1083Asp)

Gene: CHD2 (chromodomain helicase DNA binding protein 2; plus strand). Cytogenetic location: 15q26.1.
Variant type: single nucleotide variant.
Coding change: c.3247A>G on transcript NM_001271.4 (MANE Select); coding-DNA position 3247, A replaced by G.
Protein change: p.Asn1083Asp; replaces asparagine 1083 with aspartic acid.
Molecular consequence: missense variant.
Genome position (GRCh38, 1-based): chr15:92,985,507, A>G. VCF-style: chr15-92985507-A-G. GRCh37 (hg19) VCF-style: chr15-93528737-A-G.
Other names: short protein forms N1083D.
Identifiers: ClinVar variation 2860501 (VCV002860501.3), dbSNP rs2505562249, ClinGen allele CA393895488.

ClinVar aggregate classification (germline): Uncertain significance (1 of 4 stars; one submission).

Conditions:
Developmental and epileptic encephalopathy 94 (DEE94). Also called: CHD2-Related Neurodevelopmental Disorders; Epileptic encephalopathy, childhood-onset. Identifiers: Orphanet 1942, Orphanet 2382, MedGen C3809278, MONDO:0014150, OMIM 615369.

Submission:

Labcorp Genetics (formerly Invitae), Labcorp
Classification: Uncertain significance for Developmental and epileptic encephalopathy 94. Last evaluated: 2023-04-29. Review status: criteria provided, single submitter. Criteria: Invitae Variant Classification Sherloc (09022015). Collection method: clinical testing. Allele origin: germline.
Comment: In summary, the available evidence is currently insufficient to determine the role of this variant in disease. Therefore, it has been classified as a Variant of Uncertain Significance. This sequence change replaces asparagine, which is neutral and polar, with aspartic acid, which is acidic and polar, at codon 1083 of the CHD2 protein (p.Asn1083Asp). This variant is not present in population databases (gnomAD no frequency). This variant has not been reported in the literature in individuals affected with CHD2-related conditions. Advanced modeling of protein sequence and biophysical properties (such as structural, functional, and spatial information, amino acid conservation, physicochemical variation, residue mobility, and thermodynamic stability) performed at Invitae indicates that this missense variant is not expected to disrupt CHD2 protein function.